The following is an entry in ClinVar:

NM_020223.4(FAM20C):c.127del (p.Glu43fs)

Gene: FAM20C (FAM20C golgi associated secretory pathway kinase; plus strand). Cytogenetic location: 7p22.3.
Variant type: Deletion.
Coding change: c.127del on transcript NM_020223.4 (MANE Select); coding-DNA position 127, one base deleted (G; older notation c.127delG).
Protein change: p.Glu43fs; shifts the reading frame from glutamic acid 43.
Molecular consequence: frameshift variant.
Genome position (GRCh38, 1-based): chr7:193,326, G deleted; the last of 5 consecutive G bases (chr7:193,322-193,326); deleting any one gives the same sequence. VCF-style (leftmost placement, unchanged base first): chr7-193321-CG-C. GRCh37 (hg19) VCF-style: chr7-193321-CG-C.
Other names: short protein forms E43fs.
Identifiers: ClinVar variation 2033175 (VCV002033175.4), dbSNP rs2115034640, ClinGen allele CA2580076995.

ClinVar aggregate classification (germline): Pathogenic (1 of 4 stars; one submission).

Submission:

Labcorp Genetics (formerly Invitae), Labcorp
Classification: Pathogenic. Last evaluated: 2022-09-28. Review status: criteria provided, single submitter. Criteria: Invitae Variant Classification Sherloc (09022015). Collection method: clinical testing. Allele origin: germline.
Comment: This variant is not present in population databases (gnomAD no frequency). For these reasons, this variant has been classified as Pathogenic. This variant has not been reported in the literature in individuals affected with FAM20C-related conditions. This sequence change creates a premature translational stop signal (p.Glu43Serfs*87) in the FAM20C gene. It is expected to result in an absent or disrupted protein product. Loss-of-function variants in FAM20C are known to be pathogenic (PMID: 17924334, 22615579, 22732358, 23325605, 25026495).

Literature cited by the submitters: PubMed 17924334; PubMed 22615579; PubMed 22732358; PubMed 23325605; PubMed 25026495.